The following is an entry in ClinVar:

NM_012330.4(KAT6B):c.4114G>C (p.Glu1372Gln)

Gene: KAT6B (lysine acetyltransferase 6B; plus strand). Cytogenetic location: 10q22.2.
Variant type: single nucleotide variant.
Coding change: c.4114G>C on transcript NM_012330.4 (MANE Select); coding-DNA position 4114, G replaced by C.
Protein change: p.Glu1372Gln; replaces glutamic acid 1372 with glutamine.
Molecular consequence: missense variant.
Genome position (GRCh38, 1-based): chr10:75,028,938, G>C. VCF-style: chr10-75028938-G-C. GRCh37 (hg19) VCF-style: chr10-76788696-G-C.
Other names: c.3565G>C, p.Glu1189Gln (NM_001256468.2, NM_001370138.1); c.3238G>C, p.Glu1080Gln (NM_001256469.2, NM_001370139.1, NM_001370140.1 and 2 more transcripts); c.3076G>C, p.Glu1026Gln (NM_001370132.1); c.2425G>C, p.Glu809Gln (NM_001370133.1); c.2029G>C, p.Glu677Gln (NM_001370134.1); c.1771G>C, p.Glu591Gln (NM_001370135.1); c.4114G>C, p.Glu1372Gln (NM_001370136.1, NM_001370137.1); c.3049G>C, p.Glu1017Gln (NM_001370143.1, NM_001370144.1); and 1 more; short protein forms E1017Q, E1026Q, E1080Q, E1189Q, E1372Q, E591Q, E677Q, E809Q.
Identifiers: ClinVar variation 4798060 (VCV004798060.4).

ClinVar aggregate classification (germline): Conflicting classifications of pathogenicity. Review status: criteria provided, conflicting classifications (1 of 4 stars). 3 submissions from 3 submitters: Uncertain significance (2); Likely benign (1). Last evaluated 2026-04-01.

Conditions:
Inborn genetic diseases. Identifiers: MedGen C0950123, MeSH D030342.
Genitopatellar syndrome (GTPTS). Also called: ABSENT PATELLAE, SCROTAL HYPOPLASIA, RENAL ANOMALIES, FACIAL DYSMORPHISM, AND MENTAL RETARDATION; Genitopatellar syndrome (GPS). Identifiers: Orphanet 85201, MedGen C1853566, MONDO:0011640, OMIM 606170.

gnomAD v4.1: 5 of 1,611,882 alleles (0.00031%); highest among the groups gnomAD compares: African/African-American, 0.0013%; no homozygotes.

Submissions (3):

CeGaT Center for Human Genetics Tuebingen
Classification: Likely benign. Last evaluated: 2026-04-01. Review status: criteria provided, single submitter. Criteria: CeGaT Center For Human Genetics Tuebingen Variant Classification Criteria Version 2. Collection method: clinical testing. Allele origin: germline. Affected: yes. Observed: 1 variant allele.
Comment: KAT6B: BP4

Ambry Genetics
Classification: Uncertain significance for Inborn genetic diseases. Last evaluated: 2026-01-20. Review status: criteria provided, single submitter. Criteria: Ambry Variant Classification Scheme 2023. Collection method: clinical testing. Allele origin: germline.

Labcorp Genetics (formerly Invitae), Labcorp
Classification: Uncertain significance for Genitopatellar syndrome. Last evaluated: 2025-09-22. Review status: criteria provided, single submitter. Criteria: Invitae Variant Classification Sherloc (09022015). Collection method: clinical testing. Allele origin: germline.
Comment: This sequence change replaces glutamic acid, which is acidic and polar, with glutamine, which is neutral and polar, at codon 1372 of the KAT6B protein (p.Glu1372Gln). This variant is not present in population databases (gnomAD no frequency). This variant has not been reported in the literature in individuals affected with KAT6B-related conditions. Invitae Evidence Modeling of protein sequence and biophysical properties (such as structural, functional, and spatial information, amino acid conservation, physicochemical variation, residue mobility, and thermodynamic stability) indicates that this missense variant is not expected to disrupt KAT6B protein function with a negative predictive value of 80%. In summary, the available evidence is currently insufficient to determine the role of this variant in disease. Therefore, it has been classified as a Variant of Uncertain Significance.